The following is an entry in ClinVar:

ClinVar aggregate classification (germline): Uncertain significance (1 of 4 stars; one submission).

Allele frequency attached by ClinVar (database versions not stated): gnomAD exomes below 0.00001 and 0.00002; ExAC 0.00001; gnomAD 0.00006; TOPMed 0.00008; ESP Exome Variant Server 0.00031.
gnomAD v4.1: 17 of 1,611,990 alleles (0.0011%); highest among the groups gnomAD compares: African/African-American, 0.017%; no homozygotes.

Submission:

Labcorp Genetics (formerly Invitae), Labcorp
Classification: Uncertain significance. Last evaluated: 2025-09-26. Review status: criteria provided, single submitter. Criteria: Invitae Variant Classification Sherloc (09022015). Collection method: clinical testing. Allele origin: germline.
Comment: This sequence change replaces threonine, which is neutral and polar, with serine, which is neutral and polar, at codon 2207 of the MTOR protein (p.Thr2207Ser). This variant is present in population databases (rs373990757, gnomAD 0.02%). This variant has not been reported in the literature in individuals affected with MTOR-related conditions. ClinVar contains an entry for this variant (Variation ID: 1417638). Invitae Evidence Modeling of protein sequence and biophysical properties (such as structural, functional, and spatial information, amino acid conservation, physicochemical variation, residue mobility, and thermodynamic stability) indicates that this missense variant is not expected to disrupt MTOR protein function with a negative predictive value of 95%. In summary, the available evidence is currently insufficient to determine the role of this variant in disease. Therefore, it has been classified as a Variant of Uncertain Significance.

NM_004958.4(MTOR):c.6620C>G (p.Thr2207Ser)

Gene: MTOR (mechanistic target of rapamycin kinase; minus strand). Cytogenetic location: 1p36.22.
Variant type: single nucleotide variant.
Coding change: c.6620C>G on transcript NM_004958.4 (MANE Select); coding-DNA position 6620, C replaced by G.
Protein change: p.Thr2207Ser; replaces threonine 2207 with serine.
Molecular consequence: missense variant.
Genome position (GRCh38, 1-based): chr1:11,124,540, G>C on the plus strand (C>G on the coding strand, the complement: MTOR is on the minus strand). VCF-style: chr1-11124540-G-C. GRCh37 (hg19) VCF-style: chr1-11184597-G-C.
Other names: c.6620C>G, p.Thr2207Ser (NM_001386500.1); c.5372C>G, p.Thr1791Ser (NM_001386501.1); short protein forms T2207S, T1791S.
Identifiers: ClinVar variation 1417638 (VCV001417638.6), dbSNP rs373990757, ClinGen allele CA589055.